The following is an entry in ClinVar:

NM_021023.6(CFHR3):c.966G>C (p.Gly322=)

Gene: CFHR3 (complement factor H related 3; plus strand). Cytogenetic location: 1q31.3.
Variant type: single nucleotide variant.
Coding change: c.966G>C on transcript NM_021023.6 (MANE Select); coding-DNA position 966, G replaced by C.
Protein change: p.Gly322=; no amino-acid change (glycine 322 retained).
Molecular consequence: synonymous variant.
Genome position (GRCh38, 1-based): chr1:196,793,486, G>C. VCF-style: chr1-196793486-G-C. GRCh37 (hg19) VCF-style: chr1-196762616-G-C.
Other names: p.Gly322=; c.783G>C, p.Gly261= (NM_001166624.2).
Identifiers: ClinVar variation 734287 (VCV000734287.29), dbSNP rs149081467, ClinGen allele CA1306334.

ClinVar aggregate classification (germline): Likely benign. Review status: criteria provided, multiple submitters, no conflicts (2 of 4 stars). 4 submissions from 4 submitters: Likely benign (4). Last evaluated 2025-08-01.

Allele frequency attached by ClinVar (database versions not stated): 1000 Genomes Project 30x 0.00031; gnomAD exomes 0.00035 and 0.00053; gnomAD 0.00037 and 0.00045; ExAC 0.00042; 1000 Genomes Project 0.00060.
gnomAD v4.1: 574 of 1,526,184 alleles (0.038%); highest among the groups gnomAD compares: Middle Eastern, 0.96%; 120 homozygotes.

Submissions (4):

CeGaT Center for Human Genetics Tuebingen
Classification: Likely benign. Last evaluated: 2025-08-01. Review status: criteria provided, single submitter. Criteria: CeGaT Center For Human Genetics Tuebingen Variant Classification Criteria Version 2. Collection method: clinical testing. Allele origin: germline. Affected: yes. Observed: 3 variant alleles.
Comment: CFHR3: BP4, BP7

Mayo Clinic Laboratories, Mayo Clinic
Classification: Likely benign. Last evaluated: 2025-05-28. Review status: criteria provided, single submitter. Criteria: ACMG Guidelines, 2015. Collection method: clinical testing. Allele origin: germline. Observed: 10 variant alleles.
Comment: BP4, BP7

Labcorp Genetics (formerly Invitae), Labcorp
Classification: Likely benign. Last evaluated: 2019-12-31. Review status: criteria provided, single submitter. Criteria: Invitae Variant Classification Sherloc (09022015). Collection method: clinical testing. Allele origin: germline.

Breakthrough Genomics
Classification: Likely benign. Review status: criteria provided, single submitter. Criteria: ACMG Guidelines, 2015. Collection method: not provided. Allele origin: germline. Inheritance: Autosomal recessive inheritance. Affected: yes.